The following is an entry in ClinVar:

NM_004787.4(SLIT2):c.2434C>T (p.Arg812Cys)

Gene: SLIT2 (slit guidance ligand 2; plus strand). Cytogenetic location: 4p15.31.
Variant type: single nucleotide variant.
Coding change: c.2434C>T on transcript NM_004787.4 (MANE Select); coding-DNA position 2434, C replaced by T.
Protein change: p.Arg812Cys; replaces arginine 812 with cysteine.
Molecular consequence: missense variant.
Genome position (GRCh38, 1-based): chr4:20,549,073, C>T. VCF-style: chr4-20549073-C-T. GRCh37 (hg19) VCF-style: chr4-20550696-C-T.
Other names: c.2422C>T, p.Arg808Cys (NM_001289135.3); c.2410C>T, p.Arg804Cys (NM_001289136.3); short protein forms R804C, R808C, R812C.
Identifiers: ClinVar variation 4700044 (VCV004700044.1).

ClinVar aggregate classification (germline): Uncertain significance (1 of 4 stars; one submission).

gnomAD v4.1: 28 of 1,598,110 alleles (0.0018%); highest among the groups gnomAD compares: African/African-American, 0.0027%; no homozygotes.

Submission:

Labcorp Genetics (formerly Invitae), Labcorp
Classification: Uncertain significance. Last evaluated: 2025-11-07. Review status: criteria provided, single submitter. Criteria: Invitae Variant Classification Sherloc (09022015). Collection method: clinical testing. Allele origin: germline.
Comment: This sequence change replaces arginine, which is basic and polar, with cysteine, which is neutral and slightly polar, at codon 812 of the SLIT2 protein (p.Arg812Cys). The frequency data for this variant in the population databases is considered unreliable, as metrics indicate poor data quality at this position in the gnomAD database. This variant has not been reported in the literature in individuals affected with SLIT2-related conditions. An algorithm developed to predict the effect of missense changes on protein structure and function (PolyPhen-2) suggests that this variant is likely to be disruptive. Algorithms developed to predict the effect of sequence changes on RNA splicing suggest that this variant may disrupt the consensus splice site. In summary, the available evidence is currently insufficient to determine the role of this variant in disease. Therefore, it has been classified as a Variant of Uncertain Significance.